The following is an entry in ClinVar:

NM_001040108.2(MLH3):c.2395G>C (p.Glu799Gln)

Gene: MLH3 (mutL homolog 3; minus strand). Cytogenetic location: 14q24.3.
Variant type: single nucleotide variant.
Coding change: c.2395G>C on transcript NM_001040108.2 (MANE Select); coding-DNA position 2395, G replaced by C.
Protein change: p.Glu799Gln; replaces glutamic acid 799 with glutamine.
Molecular consequence: missense variant.
Genome position (GRCh38, 1-based): chr14:75,047,261, C>G on the plus strand (G>C on the coding strand, the complement: MLH3 is on the minus strand). VCF-style: chr14-75047261-C-G. GRCh37 (hg19) VCF-style: chr14-75513964-C-G.
Other names: c.2395G>C, p.Glu799Gln (NM_014381.3); c.2395G>C (NM_001040108.1); short protein forms E799Q.
Identifiers: ClinVar variation 1025955 (VCV001025955.14), dbSNP rs1892306512, ClinGen allele CA390440772.

ClinVar aggregate classification (germline): Uncertain significance. Review status: criteria provided, multiple submitters, no conflicts (2 of 4 stars). 3 submissions from 3 submitters: Uncertain significance (3). Last evaluated 2025-07-03.

Conditions:
Endometrial carcinoma. Also called: Endometrial carcinoma, somatic. Identifiers: MedGen C0476089, MONDO:0002447, OMIM 608089, HP:0012114.
Colorectal cancer, hereditary nonpolyposis, type 7. Identifiers: Orphanet 144, MedGen C1858380, MONDO:0013725, OMIM 614385.
Colorectal cancer. Also called: Malignant Colorectal Neoplasm; Colorectal cancer, somatic. Identifiers: MedGen C0346629, MONDO:0005575, OMIM 114500.

Submissions (3):

Ambry Genetics
Classification: Uncertain significance. Last evaluated: 2025-07-03. Review status: criteria provided, single submitter. Criteria: Ambry Variant Classification Scheme 2023. Collection method: clinical testing. Allele origin: germline.
Comment: The p.E799Q variant (also known as c.2395G>C), located in coding exon 1 of the MLH3 gene, results from a G to C substitution at nucleotide position 2395. The glutamic acid at codon 799 is replaced by glutamine, an amino acid with highly similar properties. This amino acid position is conserved. In addition, this alteration is predicted to be tolerated by in silico analysis. Since supporting evidence is limited at this time, the clinical significance of this alteration remains unclear.

Fulgent Genetics
Classification: Uncertain significance for Colorectal cancer; Endometrial carcinoma; Colorectal cancer, hereditary nonpolyposis, type 7. Last evaluated: 2024-02-13. Review status: criteria provided, single submitter. Criteria: ACMG Guidelines, 2015. Collection method: clinical testing. Allele origin: germline.

Labcorp Genetics (formerly Invitae), Labcorp
Classification: Uncertain significance for Colorectal cancer, hereditary nonpolyposis, type 7. Last evaluated: 2022-02-17. Review status: criteria provided, single submitter. Criteria: Invitae Variant Classification Sherloc (09022015). Collection method: clinical testing. Allele origin: germline.
Comment: This sequence change replaces glutamic acid, which is acidic and polar, with glutamine, which is neutral and polar, at codon 799 of the MLH3 protein (p.Glu799Gln). This variant is not present in population databases (gnomAD no frequency). This variant has not been reported in the literature in individuals affected with MLH3-related conditions. ClinVar contains an entry for this variant (Variation ID: 1025955). Algorithms developed to predict the effect of missense changes on protein structure and function (SIFT, PolyPhen-2, Align-GVGD) all suggest that this variant is likely to be tolerated. In summary, the available evidence is currently insufficient to determine the role of this variant in disease. Therefore, it has been classified as a Variant of Uncertain Significance.